The following is an entry in ClinVar:

NM_182914.3(SYNE2):c.5060A>G (p.Gln1687Arg)

Gene: SYNE2 (spectrin repeat containing nuclear envelope protein 2; plus strand). Cytogenetic location: 14q23.2.
Variant type: single nucleotide variant.
Coding change: c.5060A>G on transcript NM_182914.3 (MANE Select); coding-DNA position 5060, A replaced by G.
Protein change: p.Gln1687Arg; replaces glutamine 1687 with arginine.
Molecular consequence: missense variant.
Genome position (GRCh38, 1-based): chr14:64,020,002, A>G. VCF-style: chr14-64020002-A-G. GRCh37 (hg19) VCF-style: chr14-64486720-A-G.
Other names: c.5060A>G, p.Gln1687Arg (NM_015180.6); short protein forms Q1687R.
Identifiers: ClinVar variation 1383839 (VCV001383839.6), dbSNP rs1448142743, ClinGen allele CA389939238.
Genomic context (GRCh38, chr14:64,020,002, plus strand): 5'-AATAAGGTATGAAATAAAAAGACACTATCCTTTAAAATTACATGTTTTAGGAAGAATTAC[A>G]AGTCCATGAACAAAAAACTTCAGAATTTTCTAGAAGAGTGGCTGAAATACAGTTTTTGCT-3'
Protein context (NP_878918.2, residues 1677-1697): EDRERLKEEL[Gln1687Arg]VHEQKTSEFS

ClinVar aggregate classification (germline): Uncertain significance (1 of 4 stars; one submission).

Conditions:
Emery-Dreifuss muscular dystrophy 5, autosomal dominant (EDMD5). Also called: EMERY-DREIFUSS MUSCULAR DYSTROPHY 5. Identifiers: Orphanet 261, MedGen C2751805, MONDO:0013072, OMIM 612999.

Allele frequency attached by ClinVar (database versions not stated): gnomAD exomes below 0.00001; TOPMed below 0.00001.
gnomAD v4.1: 6 of 1,609,412 alleles (0.00037%); highest among the groups gnomAD compares: Non-Finnish European, 0.00051%; no homozygotes.

Submission:

Labcorp Genetics (formerly Invitae), Labcorp
Classification: Uncertain significance for Emery-Dreifuss muscular dystrophy 5, autosomal dominant. Last evaluated: 2022-02-24. Review status: criteria provided, single submitter. Criteria: Invitae Variant Classification Sherloc (09022015). Collection method: clinical testing. Allele origin: germline.
Comment: This sequence change replaces glutamine, which is neutral and polar, with arginine, which is basic and polar, at codon 1687 of the SYNE2 protein (p.Gln1687Arg). This variant is present in population databases (no rsID available, gnomAD 0.0009%). This variant has not been reported in the literature in individuals affected with SYNE2-related conditions. Algorithms developed to predict the effect of missense changes on protein structure and function output the following: SIFT: "Tolerated"; PolyPhen-2: "Benign"; Align-GVGD: "Class C0". The arginine amino acid residue is found in multiple mammalian species, which suggests that this missense change does not adversely affect protein function. In summary, the available evidence is currently insufficient to determine the role of this variant in disease. Therefore, it has been classified as a Variant of Uncertain Significance.